The following is an entry in ClinVar:

ClinVar aggregate classification (germline): Uncertain significance (1 of 4 stars; one submission).

Allele frequency attached by ClinVar (database versions not stated): gnomAD exomes below 0.00001; TOPMed below 0.00001.
gnomAD v4.1: 1 of 1,614,000 alleles (0.000062%); no homozygotes.

Submission:

GeneDx
Classification: Uncertain significance. Last evaluated: 2022-05-27. Review status: criteria provided, single submitter. Criteria: GeneDx Variant Classification Process June 2021. Collection method: clinical testing. Allele origin: germline. Affected: yes.
Comment: Not observed at significant frequency in large population cohorts (gnomAD); In silico analysis supports that this missense variant does not alter protein structure/function; Has not been previously published as pathogenic or benign to our knowledge

NM_005273.4(GNB2):c.535G>A (p.Gly179Ser)

Gene: GNB2 (G protein subunit beta 2; plus strand). Cytogenetic location: 7q22.1.
Variant type: single nucleotide variant.
Coding change: c.535G>A on transcript NM_005273.4 (MANE Select); coding-DNA position 535, G replaced by A.
Protein change: p.Gly179Ser; replaces glycine 179 with serine.
Molecular consequence: missense variant.
Genome position (GRCh38, 1-based): chr7:100,678,135, G>A. VCF-style: chr7-100678135-G-A. GRCh37 (hg19) VCF-style: chr7-100275758-G-A.
Other names: short protein forms G179S.
Identifiers: ClinVar variation 1800883 (VCV001800883.1), dbSNP rs1804399083, ClinGen allele CA368517076.